The following is an entry in ClinVar:

ClinVar aggregate classification (germline): Uncertain significance (1 of 4 stars; one submission).

Conditions:
Emery-Dreifuss muscular dystrophy (EDMD). Also called: Scapuloperoneal syndrome, X-linked (formerly); Humeroperoneal neuromuscular disease, (formerly). Identifiers: Orphanet 261, MedGen C0410189, MONDO:0016830.

gnomAD v4.1: 1 of 1,614,224 alleles (0.000062%); highest among the groups gnomAD compares: Non-Finnish European, 0.000085%; no homozygotes.

Submission:

Labcorp Genetics (formerly Invitae), Labcorp
Classification: Uncertain significance for Emery-Dreifuss muscular dystrophy. Last evaluated: 2022-02-03. Review status: criteria provided, single submitter. Criteria: Invitae Variant Classification Sherloc (09022015). Collection method: clinical testing. Allele origin: germline.
Comment: This variant is present in population databases (no rsID available, gnomAD 0.0009%). This sequence change replaces arginine, which is basic and polar, with leucine, which is neutral and non-polar, at codon 130 of the SUN1 protein (p.Arg130Leu). This variant has not been reported in the literature in individuals affected with SUN1-related conditions. ClinVar contains an entry for this variant (Variation ID: 530828). Algorithms developed to predict the effect of missense changes on protein structure and function output the following: SIFT: "Tolerated"; PolyPhen-2: "Benign"; Align-GVGD: "Class C0". The leucine amino acid residue is found in multiple mammalian species, which suggests that this missense change does not adversely affect protein function. In summary, the available evidence is currently insufficient to determine the role of this variant in disease. Therefore, it has been classified as a Variant of Uncertain Significance.

NM_001130965.3(SUN1):c.389G>T (p.Arg130Leu)

Gene: SUN1 (Sad1 and UNC84 domain containing 1; plus strand). Cytogenetic location: 7p22.3.
Variant type: single nucleotide variant.
Coding change: c.389G>T on transcript NM_001130965.3 (MANE Select); coding-DNA position 389, G replaced by T.
Protein change: p.Arg130Leu; replaces arginine 130 with leucine.
Molecular consequence: missense variant. On other transcripts: 5 prime UTR variant (4), non-coding transcript variant (3).
Genome position (GRCh38, 1-based): chr7:842,068, G>T. VCF-style: chr7-842068-G-T. GRCh37 (hg19) VCF-style: chr7-881705-G-T.
Other names: c.239G>T, p.Arg80Leu (NM_001367689.1, NM_001367691.1, NM_001367636.1 and 24 more transcripts); c.389G>T, p.Arg130Leu (NM_001367690.1, NM_001367692.1, NM_001367696.1 and 34 more transcripts); c.200G>T, p.Arg67Leu (NM_001367695.1); c.452G>T, p.Arg151Leu (NM_001171945.2); c.-69G>T (NM_001367635.1); c.-179G>T (NM_001367639.1, NM_001367708.1); c.608G>T, p.Arg203Leu (NM_001367651.1); c.-373G>T (NM_001367658.1); short protein forms R130L, R151L, R203L, R67L, R80L.
Identifiers: ClinVar variation 530828 (VCV000530828.8), dbSNP rs781471011, ClinGen allele CA366547074.